The following is an entry in ClinVar:

ClinVar aggregate classification (germline): Uncertain significance (1 of 4 stars; one submission).

Submission:

Dasa
Classification: Uncertain significance. Last evaluated: 2025-06-30. Review status: criteria provided, single submitter. Criteria: DASA Assertion Criteria. Collection method: clinical testing. Allele origin: germline.
Comment: NM_004380.3(CREBBP):c.85+7_85+9del is a splice-region variant. This variant is rare in population databases. Computational prediction algorithms are consistent with a benign effect. The currently available literature and clinical evidence are not sufficient to establish a definitive association between this variant and the reported condition. Therefore, this variant is classified as a variant of uncertain significance.

NM_004380.3(CREBBP):c.85+7_85+9del

Gene: CREBBP (CREB binding lysine acetyltransferase; minus strand). Cytogenetic location: 16p13.3.
Variant type: Microsatellite.
Coding change: c.85+7_85+9del on transcript NM_004380.3 (MANE Select); bases 7 to 9 of the intron after coding-DNA position 85, 3 bases deleted (AGG; older notation c.85+7_85+9delAGG).
Molecular consequence: intron variant.
Genome position (GRCh38, 1-based): chr16:3,879,823-3,879,825, CCT deleted on the plus strand (AGG on the coding strand, the reverse complement: CREBBP is on the minus strand); deleting any 3 consecutive bases within chr16:3,879,823-3,879,829 gives the same sequence; the c. name uses the placement nearest the transcript's 3' end. VCF-style (leftmost placement, unchanged base first): chr16-3879822-CCCT-C. GRCh37 (hg19) VCF-style: chr16-3929823-CCCT-C.
Other names: c.85+7_85+9del (NM_001079846.1).
Identifiers: ClinVar variation 4884048 (VCV004884048.2).